The following is an entry in ClinVar:

NM_002693.3(POLG):c.3063C>T (p.Ser1021=)

Gene: POLG (DNA polymerase gamma, catalytic subunit; minus strand). Cytogenetic location: 15q26.1.
Variant type: single nucleotide variant.
Coding change: c.3063C>T on transcript NM_002693.3 (MANE Select); coding-DNA position 3063, C replaced by T.
Protein change: p.Ser1021=; no amino-acid change (serine 1021 retained).
Molecular consequence: synonymous variant.
Genome position (GRCh38, 1-based): chr15:89,319,269, G>A on the plus strand (C>T on the coding strand, the complement: POLG is on the minus strand). VCF-style: chr15-89319269-G-A. GRCh37 (hg19) VCF-style: chr15-89862500-G-A.
Other names: p.Ser1021=; c.3063C>T, p.Ser1021= (NM_001126131.2).
Identifiers: ClinVar variation 4684026 (VCV004684026.1).

ClinVar aggregate classification (germline): Likely benign (1 of 4 stars; one submission).

Submission:

Mayo Clinic Laboratories, Mayo Clinic
Classification: Likely benign. Last evaluated: 2025-09-09. Review status: criteria provided, single submitter. Criteria: ACMG Guidelines, 2015. Collection method: clinical testing. Allele origin: germline. Observed: 1 variant allele.
Comment: BP4, BP7